The following is an entry in ClinVar:

ClinVar aggregate classification (germline): Likely benign. Review status: criteria provided, single submitter (1 of 4 stars). 2 submissions from 2 submitters: Likely benign (1). 1 of the submissions does not count toward it. Last evaluated 2025-12-24.

Conditions:
SLC7A9-related disorder. Also called: SLC7A9-related condition.

Allele frequency attached by ClinVar (database versions not stated): ExAC 0.00003; TOPMed 0.00003; gnomAD exomes 0.00004; gnomAD 0.00006.
gnomAD v4.1: 78 of 1,599,608 alleles (0.0049%); highest among the groups gnomAD compares: African/African-American, 0.035%; 3 homozygotes.

Submissions (2):

Labcorp Genetics (formerly Invitae), Labcorp
Classification: Likely benign. Last evaluated: 2025-12-24. Review status: criteria provided, single submitter. Criteria: Invitae Variant Classification Sherloc (09022015). Collection method: clinical testing. Allele origin: germline.

PreventionGenetics, part of Exact Sciences
Classification: Likely benign for SLC7A9-related condition. Last evaluated: 2019-07-01. Review status: no assertion criteria provided. Collection method: clinical testing. Allele origin: germline. Not counted in ClinVar's aggregate classification.
Comment: This variant is classified as likely benign based on ACMG/AMP sequence variant interpretation guidelines (Richards et al. 2015 PMID: 25741868, with internal and published modifications).

NM_014270.5(SLC7A9):c.978-12G>A

Gene: SLC7A9 (solute carrier family 7 member 9; minus strand). Cytogenetic location: 19q13.11.
Variant type: single nucleotide variant.
Coding change: c.978-12G>A on transcript NM_014270.5 (MANE Select); 12 bases into the intron before coding-DNA position 978, G replaced by A.
Molecular consequence: intron variant.
Genome position (GRCh38, 1-based): chr19:32,843,963, C>T on the plus strand (G>A on the coding strand, the complement: SLC7A9 is on the minus strand). VCF-style: chr19-32843963-C-T. GRCh37 (hg19) VCF-style: chr19-33334869-C-T.
Other names: c.978-12G>A (NM_001126335.2, NM_001243036.2, NM_014270.4).
Identifiers: ClinVar variation 2202005 (VCV002202005.6), dbSNP rs113261426, ClinGen allele CA9358536.